The following is an entry in ClinVar:

NM_000070.3(CAPN3):c.525C>T (p.Asp175=)

Gene: CAPN3 (calpain 3; plus strand). Cytogenetic location: 15q15.1.
Variant type: single nucleotide variant.
Coding change: c.525C>T on transcript NM_000070.3 (MANE Select); coding-DNA position 525, C replaced by T.
Protein change: p.Asp175=; no amino-acid change (aspartic acid 175 retained).
Molecular consequence: synonymous variant.
Genome position (GRCh38, 1-based): chr15:42,387,779, C>T. VCF-style: chr15-42387779-C-T. GRCh37 (hg19) VCF-style: chr15-42679977-C-T.
Other names: c.525C>T, p.Asp175= (NM_024344.2, NM_173087.2).
Identifiers: ClinVar variation 197103 (VCV000197103.44), dbSNP rs144383442, ClinGen allele CA245057.

ClinVar aggregate classification (germline): Conflicting classifications of pathogenicity. Review status: criteria provided, conflicting classifications (1 of 4 stars). 10 submissions from 10 submitters: Uncertain significance (3); Benign (1); Likely benign (4). 2 of the submissions do not count toward it. Last evaluated 2026-07-01.

Conditions:
CAPN3-related disorder. Also called: CAPN3-related disorders; CAPN3-related condition. Identifiers: MedGen CN239245.
Autosomal recessive limb-girdle muscular dystrophy type 2A (LGMDR1). Also called: LEYDEN-MOEBIUS MUSCULAR DYSTROPHY; MUSCULAR DYSTROPHY, PELVOFEMORAL; Muscular dystrophy, limb-girdle, type 2A, Amish; Limb-girdle muscular dystrophy, type 2A; Calpainopathy. Identifiers: Orphanet 267, MedGen C1869123, MONDO:0009675, OMIM 253600. Disease mechanism: loss of function.

Allele frequency attached by ClinVar (database versions not stated): 1000 Genomes Project 30x 0.00016; 1000 Genomes Project 0.00020; gnomAD exomes 0.00062 and 0.00101; gnomAD 0.00063 and 0.00064; TOPMed 0.00066; ExAC 0.00072; ESP Exome Variant Server 0.00138.
gnomAD v4.1: 1,541 of 1,614,144 alleles (0.095%); highest among the groups gnomAD compares: Non-Finnish European, 0.12%; 2 homozygotes.

Submissions (10):

CeGaT Center for Human Genetics Tuebingen
Classification: Likely benign. Last evaluated: 2026-07-01. Review status: criteria provided, single submitter. Criteria: CeGaT Center For Human Genetics Tuebingen Variant Classification Criteria Version 2. Collection method: clinical testing. Allele origin: germline. Affected: yes. Observed: 3 variant alleles.
Comment: CAPN3: BP4, BP7

Labcorp Genetics (formerly Invitae), Labcorp
Classification: Likely benign for Autosomal recessive limb-girdle muscular dystrophy type 2A. Last evaluated: 2026-01-31. Review status: criteria provided, single submitter. Criteria: Invitae Variant Classification Sherloc (09022015). Collection method: clinical testing. Allele origin: germline.

Revvity Omics, Revvity
Classification: Uncertain significance. Last evaluated: 2025-05-07. Review status: criteria provided, single submitter. Criteria: ACMG Guidelines, 2015. Collection method: clinical testing. Allele origin: germline.

Blueprint Genetics
Classification: Likely benign. Last evaluated: 2024-11-20. Review status: criteria provided, single submitter. Criteria: ACMG Guidelines, 2015. Collection method: clinical testing. Allele origin: germline.

Athena Diagnostics
Classification: Benign. Last evaluated: 2020-12-22. Review status: criteria provided, single submitter. Criteria: Athena Diagnostics criteria. Collection method: clinical testing. Allele origin: unknown.

GeneDx
Classification: Likely benign. Last evaluated: 2019-10-01. Review status: criteria provided, single submitter. Criteria: GeneDx Variant Classification Process June 2021. Collection method: clinical testing. Allele origin: germline. Affected: yes.

Illumina Laboratory Services, Illumina
Classification: Uncertain significance for Limb-girdle muscular dystrophy, type 2A. Last evaluated: 2018-01-12. Review status: criteria provided, single submitter. Criteria: ICSL Variant Classification Criteria 13 December 2019. Collection method: clinical testing. Allele origin: germline.

Eurofins Ntd Llc (ga)
Classification: Uncertain significance. Last evaluated: 2017-07-03. Review status: criteria provided, single submitter. Criteria: EGL Classification Definitions 2015. Collection method: clinical testing. Allele origin: germline. Observed: 9 variant alleles, 9 heterozygotes.

PreventionGenetics, part of Exact Sciences
Classification: Likely benign for CAPN3-related condition. Last evaluated: 2024-09-27. Review status: no assertion criteria provided. Collection method: clinical testing. Allele origin: germline. Not counted in ClinVar's aggregate classification.
Comment: This variant is classified as likely benign based on ACMG/AMP sequence variant interpretation guidelines (Richards et al. 2015 PMID: 25741868, with internal and published modifications).

Natera, Inc.
Classification: Likely benign for Limb-girdle muscular dystrophy type 2A. Last evaluated: 2020-04-17. Review status: no assertion criteria provided. Collection method: clinical testing. Allele origin: germline. Not counted in ClinVar's aggregate classification.